The following is an entry in ClinVar:

ClinVar aggregate classification (germline): Benign. Review status: criteria provided, multiple submitters, no conflicts (2 of 4 stars). 2 submissions from 2 submitters: Benign (2). Last evaluated 2024-07-15.

Allele frequency attached by ClinVar (database versions not stated): ESP Exome Variant Server 0.15008; gnomAD 0.16469 and 0.17326; TOPMed 0.17334; ExAC 0.21144; gnomAD exomes 0.21827; 1000 Genomes Project 30x 0.22502; 1000 Genomes Project 0.23123.
gnomAD v4.1: 305,425 of 1,583,234 alleles (19%); highest among the groups gnomAD compares: East Asian, 57%; 34,405 homozygotes.

Submissions (2):

Unidad de Genómica Garrahan, Hospital de Pediatría Garrahan
Classification: Benign. Last evaluated: 2024-07-15. Review status: criteria provided, single submitter. Criteria: ACMG Guidelines, 2015. Collection method: clinical testing. Allele origin: germline. Affected: no. Observed: 43 variant alleles.
Comment: This variant is classified as Benign based on local population frequency. This variant was detected in 46% of patients studied in a panel designed for Epileptic and Developmental Encephalopathy and Progressive Myoclonus Epilepsy. Number of patients: 43. Only high quality variants are reported.

GeneDx
Classification: Benign. Last evaluated: 2018-06-19. Review status: criteria provided, single submitter. Criteria: GeneDx Variant Classification (06012015). Collection method: clinical testing. Allele origin: germline. Affected: yes.
Comment: This variant is considered likely benign or benign based on one or more of the following criteria: it is a conservative change, it occurs at a poorly conserved position in the protein, it is predicted to be benign by multiple in silico algorithms, and/or has population frequency not consistent with disease.

NM_001182.5(ALDH7A1):c.1201-27T>C

Gene: ALDH7A1 (aldehyde dehydrogenase 7 family member A1; minus strand). Cytogenetic location: 5q23.2.
Variant type: single nucleotide variant.
Coding change: c.1201-27T>C on transcript NM_001182.5 (MANE Select); 27 bases into the intron before coding-DNA position 1201, T replaced by C.
Molecular consequence: intron variant.
Genome position (GRCh38, 1-based): chr5:126,552,164, A>G on the plus strand (T>C on the coding strand, the complement: ALDH7A1 is on the minus strand). VCF-style: chr5-126552164-A-G. GRCh37 (hg19) VCF-style: chr5-125887856-A-G.
Other names: c.1009-27T>C (NM_001202404.2); c.1117-27T>C (NM_001201377.2).
Identifiers: ClinVar variation 670629 (VCV000670629.3), dbSNP rs2306619, ClinGen allele CA3389490.